The following is an entry in ClinVar:

ClinVar aggregate classification (germline): Uncertain significance. Review status: criteria provided, multiple submitters, no conflicts (2 of 4 stars). 2 submissions from 2 submitters: Uncertain significance (2). Last evaluated 2023-05-11.

Conditions:
Hereditary cancer-predisposing syndrome. Also called: Neoplastic Syndromes, Hereditary; Hereditary Cancer Syndrome; Tumor predisposition; Hereditary neoplastic syndrome. Identifiers: Orphanet 140162, MedGen C0027672, MeSH D009386, MONDO:0015356.

Submissions (2):

GeneDx
Classification: Uncertain significance. Last evaluated: 2023-05-11. Review status: criteria provided, single submitter. Criteria: GeneDx Variant Classification Process June 2021. Collection method: clinical testing. Allele origin: germline. Affected: yes.
Comment: Not observed at significant frequency in large population cohorts (gnomAD); In silico analysis supports that this missense variant does not alter protein structure/function; Has not been previously published as pathogenic or benign to our knowledge; This variant is associated with the following publications: (PMID: 20951805)

Ambry Genetics
Classification: Uncertain significance for Hereditary cancer-predisposing syndrome. Last evaluated: 2022-11-20. Review status: criteria provided, single submitter. Criteria: Ambry Variant Classification Scheme 2023. Collection method: clinical testing. Allele origin: germline.
Comment: The p.A425T variant (also known as c.1273G>A), located in coding exon 10 of the POLD1 gene, results from a G to A substitution at nucleotide position 1273. The alanine at codon 425 is replaced by threonine, an amino acid with similar properties. This amino acid position is conserved. In addition, this alteration is predicted to be tolerated by in silico analysis. Since supporting evidence is limited at this time, the clinical significance of this alteration remains unclear.

NM_002691.4(POLD1):c.1273G>A (p.Ala425Thr)

Gene: POLD1 (DNA polymerase delta 1, catalytic subunit; plus strand). Cytogenetic location: 19q13.33.
Variant type: single nucleotide variant.
Coding change: c.1273G>A on transcript NM_002691.4 (MANE Select); coding-DNA position 1273, G replaced by A.
Protein change: p.Ala425Thr; replaces alanine 425 with threonine.
Molecular consequence: missense variant. On other transcripts: non-coding transcript variant (1).
Genome position (GRCh38, 1-based): chr19:50,406,212, G>A. VCF-style: chr19-50406212-G-A. GRCh37 (hg19) VCF-style: chr19-50909469-G-A.
Other names: c.1273G>A (NM_002691.3); c.1273G>A, p.Ala425Thr (NM_001256849.1, NM_001308632.1); short protein forms A425T.
Identifiers: ClinVar variation 2448194 (VCV002448194.3), dbSNP rs1027677934, ClinGen allele CA406979771.
Genomic context (GRCh38, chr19:50,406,212, plus strand): 5'-CCTGCTGCACACCCTGCCTCTCCTCCTCAGGTACAAACATTCCCTTTCCTGGGCCGTGTG[G>A]CCGGCCTTTGCTCCAACATCCGGGACTCTTCATTCCAGTCCAAGCAGACGGGCCGGCGGG-3'
Protein context (NP_002682.2, residues 415-435): VQTFPFLGRV[Ala425Thr]GLCSNIRDSS